The following is an entry in ClinVar:

NM_182978.4(GNAL):c.71A>G (p.Glu24Gly)

Gene: GNAL (G protein subunit alpha L; plus strand). Cytogenetic location: 18p11.21.
Variant type: single nucleotide variant.
Coding change: c.71A>G on transcript NM_182978.4 (MANE Select); coding-DNA position 71, A replaced by G.
Protein change: p.Glu24Gly; replaces glutamic acid 24 with glycine.
Molecular consequence: missense variant.
Genome position (GRCh38, 1-based): chr18:11,689,634, A>G. VCF-style: chr18-11689634-A-G. GRCh37 (hg19) VCF-style: chr18-11689633-A-G.
Other names: short protein forms E24G.
Identifiers: ClinVar variation 2648590 (VCV002648590.24), dbSNP rs1253172157, ClinGen allele CA401927233.

ClinVar aggregate classification (germline): Uncertain significance (1 of 4 stars; one submission).

Allele frequency attached by ClinVar (database versions not stated): TOPMed below 0.00001; gnomAD 0.00001.

Submission:

CeGaT Center for Human Genetics Tuebingen
Classification: Uncertain significance. Last evaluated: 2022-07-01. Review status: criteria provided, single submitter. Criteria: CeGaT Center For Human Genetics Tuebingen Variant Classification Criteria Version 2. Collection method: clinical testing. Allele origin: germline. Affected: yes. Observed: 1 variant allele.
Comment: GNAL: PM2, PP2, PP3